The following is an entry in ClinVar:

NM_014159.7(SETD2):c.3934A>G (p.Arg1312Gly)

Gene: SETD2 (SET domain containing 2, histone lysine methyltransferase; minus strand). Cytogenetic location: 3p21.31.
Variant type: single nucleotide variant.
Coding change: c.3934A>G on transcript NM_014159.7 (MANE Select); coding-DNA position 3934, A replaced by G.
Protein change: p.Arg1312Gly; replaces arginine 1312 with glycine.
Molecular consequence: missense variant. On other transcripts: non-coding transcript variant (1).
Genome position (GRCh38, 1-based): chr3:47,120,702, T>C on the plus strand (A>G on the coding strand, the complement: SETD2 is on the minus strand). VCF-style: chr3-47120702-T-C. GRCh37 (hg19) VCF-style: chr3-47162192-T-C.
Other names: c.3802A>G, p.Arg1268Gly (NM_001349370.3); short protein forms R1268G, R1312G.
Identifiers: ClinVar variation 1709772 (VCV001709772.2), dbSNP rs879086562, ClinGen allele CA73804013.

ClinVar aggregate classification (germline): Uncertain significance (1 of 4 stars; one submission).

Conditions:
Luscan-Lumish syndrome. Identifiers: Orphanet 597738, MedGen C4085873, MONDO:0014791, OMIM 616831.

Allele frequency attached by ClinVar (database versions not stated): gnomAD exomes below 0.00001.
gnomAD v4.1: 1 of 1,614,210 alleles (0.000062%); highest among the groups gnomAD compares: African/African-American, 0.0013%; no homozygotes.

Submission:

MGZ Medical Genetics Center
Classification: Uncertain significance for Luscan-Lumish syndrome. Last evaluated: 2022-08-26. Review status: criteria provided, single submitter. Criteria: ACMG Guidelines, 2015. Collection method: clinical testing. Allele origin: germline. Affected: yes. Observed: 1 variant allele.
Comment: ACMG criteria applied: PM2_SUP, PP3